The following is an entry in ClinVar:

ClinVar aggregate classification (germline): Uncertain significance (0 of 4 stars; one submission).

Conditions:
GNAS-related disorder. Identifiers: MedGen CN380105.

gnomAD v4.1: 3 of 1,613,356 alleles (0.00019%); highest among the groups gnomAD compares: South Asian, 0.0033%; no homozygotes.

Submission:

PreventionGenetics, part of Exact Sciences
Classification: Uncertain significance for GNAS-related condition. Last evaluated: 2024-08-08. Review status: no assertion criteria provided. Collection method: clinical testing. Allele origin: germline.
Comment: The GNAS c.1821A>T variant is predicted to result in the amino acid substitution p.Leu607Phe. To our knowledge, this variant has not been reported in the literature. This variant is reported in 0.0033% of alleles in individuals of South Asian descent in gnomAD. At this time, the clinical significance of this variant is uncertain due to the absence of conclusive functional and genetic evidence.

NM_080425.4(GNAS):c.1821A>T (p.Leu607Phe)

Gene: GNAS (GNAS complex locus; plus strand). Cytogenetic location: 20q13.32.
Variant type: single nucleotide variant.
Coding change: c.1821A>T on transcript NM_080425.4 (MANE Plus Clinical); coding-DNA position 1821, A replaced by T.
Protein change: p.Leu607Phe; replaces leucine 607 with phenylalanine.
Molecular consequence: missense variant. On other transcripts: intron variant (3).
Genome position (GRCh38, 1-based): chr20:58,855,086, A>T. VCF-style: chr20-58855086-A-T. GRCh37 (hg19) VCF-style: chr20-57430141-A-T.
Other names: c.1634A>T, p.Tyr545Phe (NM_001077490.3, NM_001309883.1); c.1821A>T, p.Leu607Phe (NM_001410913.1); c.*42+14200A>T (NM_016592.5); c.43+14200A>T (NM_001410912.1); c.-39+13211A>T (NM_001309861.2); short protein forms L607F, Y545F.
Identifiers: ClinVar variation 3345652 (VCV003345652.1).